The following is an entry in ClinVar:

NM_014159.7(SETD2):c.3247A>C (p.Thr1083Pro)

Gene: SETD2 (SET domain containing 2, histone lysine methyltransferase; minus strand). Cytogenetic location: 3p21.31.
Variant type: single nucleotide variant.
Coding change: c.3247A>C on transcript NM_014159.7 (MANE Select); coding-DNA position 3247, A replaced by C.
Protein change: p.Thr1083Pro; replaces threonine 1083 with proline.
Molecular consequence: missense variant. On other transcripts: non-coding transcript variant (1).
Genome position (GRCh38, 1-based): chr3:47,121,389, T>G on the plus strand (A>C on the coding strand, the complement: SETD2 is on the minus strand). VCF-style: chr3-47121389-T-G. GRCh37 (hg19) VCF-style: chr3-47162879-T-G.
Other names: c.3115A>C, p.Thr1039Pro (NM_001349370.3); short protein forms T1039P, T1083P.
Identifiers: ClinVar variation 2498930 (VCV002498930.28), dbSNP rs764690431, ClinGen allele CA352523204.

ClinVar aggregate classification (germline): Uncertain significance (1 of 4 stars; one submission).

Submission:

CeGaT Center for Human Genetics Tuebingen
Classification: Uncertain significance. Last evaluated: 2023-02-01. Review status: criteria provided, single submitter. Criteria: CeGaT Center For Human Genetics Tuebingen Variant Classification Criteria Version 2. Collection method: clinical testing. Allele origin: germline. Affected: yes. Observed: 1 variant allele.
Comment: SETD2: PM2, PP4